The following is an entry in ClinVar:

ClinVar aggregate classification (germline): Uncertain significance (1 of 4 stars; one submission).

gnomAD v4.1: 3 of 1,613,822 alleles (0.00019%); highest among the groups gnomAD compares: Non-Finnish European, 0.00025%; no homozygotes.

Submission:

Ambry Genetics
Classification: Uncertain significance. Last evaluated: 2025-01-05. Review status: criteria provided, single submitter. Criteria: Ambry Variant Classification Scheme 2023. Collection method: clinical testing. Allele origin: germline.
Comment: The p.P12L variant (also known as c.35C>T), located in coding exon 1 of the GEN1 gene, results from a C to T substitution at nucleotide position 35. The proline at codon 12 is replaced by leucine, an amino acid with similar properties. This amino acid position is conserved. In addition, the in silico prediction for this alteration is inconclusive. Based on the available evidence, the clinical significance of this variant remains unclear.

NM_001130009.3(GEN1):c.35C>T (p.Pro12Leu)

Gene: GEN1 (GEN1 Holliday junction 5' flap endonuclease; plus strand). Cytogenetic location: 2p24.2.
Variant type: single nucleotide variant.
Coding change: c.35C>T on transcript NM_001130009.3 (MANE Select); coding-DNA position 35, C replaced by T.
Protein change: p.Pro12Leu; replaces proline 12 with leucine.
Molecular consequence: missense variant.
Genome position (GRCh38, 1-based): chr2:17,759,978, C>T. VCF-style: chr2-17759978-C-T. GRCh37 (hg19) VCF-style: chr2-17941245-C-T.
Other names: c.35C>T, p.Pro12Leu (NM_182625.5); short protein forms P12L.
Identifiers: ClinVar variation 3853483 (VCV003853483.1).